The following is an entry in ClinVar:

ClinVar aggregate classification (germline): Pathogenic/Likely pathogenic. Review status: criteria provided, multiple submitters, no conflicts (2 of 4 stars). 6 submissions from 6 submitters: Pathogenic (4); Likely pathogenic (1). 1 of the submissions does not count toward it. Last evaluated 2024-09-28.

Conditions:
Mitochondrial complex IV deficiency, nuclear type 1 (MC4DN1). Also called: COX DEFICIENCY; Mitochondrial complex IV deficiency; Complex 4 mitochondrial respiratory chain deficiency; Deficiency of mitochondrial respiratory chain complex4; Complex IV deficiency. Identifiers: MedGen C5435656, MONDO:0700250, OMIM 220110. Disease mechanism: loss of function.
Leigh syndrome (NULS). Also called: Leigh Syndrome (mtDNA deletion); Leigh's necrotizing encephalopathy; Leigh's disease; Leigh's syndrome; Subacute necrotizing encephalopathy; Necrotizing encephalopathy infantile subacute of Leigh. Identifiers: Orphanet 506, MedGen C2931891, MONDO:0009723, OMIM 256000.
Inborn genetic diseases. Identifiers: MedGen C0950123, MeSH D030342.

Submissions (6):

Labcorp Genetics (formerly Invitae), Labcorp
Classification: Pathogenic for Leigh syndrome. Last evaluated: 2024-09-28. Review status: criteria provided, single submitter. Criteria: Invitae Variant Classification Sherloc (09022015). Collection method: clinical testing. Allele origin: germline.
Comment: This sequence change creates a premature translational stop signal (p.Lys291*) in the SURF1 gene. While this is not anticipated to result in nonsense mediated decay, it is expected to disrupt the last 10 amino acid(s) of the SURF1 protein. This variant is present in population databases (rs782061187, gnomAD 0.003%). This premature translational stop signal has been observed in individual(s) with clinical features of mitochondrial complex IV deficiency (PMID: 9837813, 25111564, 27756633). In at least one individual the data is consistent with being in trans (on the opposite chromosome) from a pathogenic variant. It has also been observed to segregate with disease in related individuals. This variant is also known as c.868_869insT, 868insT, K290X. ClinVar contains an entry for this variant (Variation ID: 520829). For these reasons, this variant has been classified as Pathogenic.

Service de Génétique Médicale, Centre Hospitalier Universitaire de Nice-Université Côte d'Azur
Classification: Likely pathogenic for Mitochondrial complex IV deficiency, nuclear type 1. Last evaluated: 2024-02-27. Review status: criteria provided, single submitter. Criteria: ACMG Guidelines, 2015. Collection method: clinical testing. Allele origin: germline. Affected: yes.

Women's Health and Genetics/Laboratory Corporation of America, LabCorp
Classification: Pathogenic for Leigh syndrome. Last evaluated: 2023-02-09. Review status: criteria provided, single submitter. Criteria: LabCorp Variant Classification Summary - May 2015. Collection method: clinical testing. Allele origin: germline.
Comment: Variant summary: SURF1 c.870dupT (p.Lys291X) results in a premature termination codon, predicted to cause a truncation of the encoded protein, which is a commonly known mechanism for disease. The variant allele was found at a frequency of 4e-06 in 250790 control chromosomes (gnomAD). c.870dupT has been reported in the literature as a biallelic genotype in multiple individuals affected with Leigh Syndrome (e.g. Tiranti_1998, Ribeiro_2016, Kose_2020). These data indicate that the variant is very likely to be associated with disease. Experimental evidence evaluating an impact of the variant on protein function found that COX levels in homozygous tissues were 10%-15% of normal (Tiranti_1998, Tiranti_1999). Two clinical diagnostic laboratories have submitted clinical-significance assessments for this variant to ClinVar after 2014 and both classified the variant as pathogenic. Based on the evidence outlined above, the variant was classified as pathogenic.

Mendelics
Classification: Pathogenic for Mitochondrial complex IV deficiency, nuclear type 1. Last evaluated: 2022-05-04. Review status: criteria provided, single submitter. Criteria: Mendelics Assertion Criteria 2019. Collection method: clinical testing. Allele origin: germline.

Ambry Genetics
Classification: Pathogenic for Inborn genetic diseases. Last evaluated: 2015-10-12. Review status: criteria provided, single submitter. Criteria: Ambry exome assertion method (8-5-2015). Collection method: clinical testing. Allele origin: germline. Affected: yes. Observed: 1 variant allele.

OMIM
Classification: Pathogenic for MITOCHONDRIAL COMPLEX IV DEFICIENCY, NUCLEAR TYPE 1. Last evaluated: 1998-12-01. Review status: no assertion criteria provided. Collection method: literature only. Allele origin: germline. Not counted in ClinVar's aggregate classification.

Literature cited by the submitters: PubMed 9837813 (cited by Labcorp Genetics (formerly Invitae), Labcorp and Women's Health and Genetics/Laboratory Corporation of America, LabCorp); PubMed 25111564 (cited by Labcorp Genetics (formerly Invitae), Labcorp); PubMed 27756633 (cited by Labcorp Genetics (formerly Invitae), Labcorp and Women's Health and Genetics/Laboratory Corporation of America, LabCorp); PubMed 38703036 (cited by Service de Génétique Médicale, Centre Hospitalier Universitaire de Nice-Université Côte d'Azur); PubMed 10443880 (cited by Women's Health and Genetics/Laboratory Corporation of America, LabCorp); PubMed 33134083 (cited by Women's Health and Genetics/Laboratory Corporation of America, LabCorp); PubMed 9843204 (cited by OMIM).

NM_003172.4(SURF1):c.870dup (p.Lys291Ter)

Gene: SURF1 (SURF1 cytochrome c oxidase assembly factor; minus strand). Cytogenetic location: 9q34.2.
Variant type: Duplication.
Coding change: c.870dup on transcript NM_003172.4 (MANE Select); coding-DNA position 870, one base duplicated (T; older notation c.870dupT).
Protein change: p.Lys291Ter; replaces lysine 291 with a stop codon.
Molecular consequence: nonsense.
Genome position (GRCh38, 1-based): chr9:133,351,946, A duplicated on the plus strand (T on the coding strand, the reverse complement: SURF1 is on the minus strand); the first of 3 consecutive A bases (chr9:133,351,946-133,351,948); duplicating any one gives the same sequence. VCF-style (leftmost placement, unchanged base first): chr9-133351945-T-TA. GRCh37 (hg19) VCF-style: chr9-136218800-T-TA.
Other names: c.543dup, p.Lys182Ter (NM_001280787.1); c.870dupT (NM_003172.4); short protein forms K182*, K291*.
Identifiers: ClinVar variation 520829 (VCV000520829.11), dbSNP rs782061187, ClinGen allele CA200831897.